The following is an entry in ClinVar:

NM_024678.6(NARS2):c.969T>A (p.Tyr323Ter)

Gene: NARS2 (asparaginyl-tRNA synthetase 2, mitochondrial; minus strand). Cytogenetic location: 11q14.1.
Variant type: single nucleotide variant.
Coding change: c.969T>A on transcript NM_024678.6 (MANE Select); coding-DNA position 969, T replaced by A.
Protein change: p.Tyr323Ter; replaces tyrosine 323 with a stop codon.
Molecular consequence: nonsense.
Genome position (GRCh38, 1-based): chr11:78,469,304, A>T on the plus strand (T>A on the coding strand, the complement: NARS2 is on the minus strand). VCF-style: chr11-78469304-A-T. GRCh37 (hg19) VCF-style: chr11-78180350-A-T.
Other names: c.969T>A (NM_024678.5); c.288T>A, p.Tyr96Ter (NM_001243251.2); short protein forms Y323*, Y96*.
Identifiers: ClinVar variation 632571 (VCV000632571.10), dbSNP rs565224393, ClinGen allele CA225100636.
Genomic context (GRCh38, chr11:78,469,304, plus strand): 5'-TACCTCTGGGGTAAAGGTGAAGTTCTGGGATGCTTGCTTTAAGATCTCCACTGCTTCAGT[A>T]TAAGAAATGCTGGAGGAAAACAGGATACAAGCAGAGAAAAGTCAATACAATGGAGCTGCT-3'

ClinVar aggregate classification (germline): Pathogenic/Likely pathogenic. Review status: criteria provided, multiple submitters, no conflicts (2 of 4 stars). 5 submissions from 5 submitters: Pathogenic (3); Likely pathogenic (1). 1 of the submissions does not count toward it. Last evaluated 2026-08-01.

Conditions:
Combined oxidative phosphorylation defect type 24. Also called: Combined oxidative phosphorylation deficiency 24. Identifiers: Orphanet 444458, MedGen C4015643, MONDO:0014547, OMIM 616239.

Allele frequency attached by ClinVar (database versions not stated): TOPMed 0.00002.
gnomAD v4.1: 8 of 1,613,016 alleles (0.0005%); highest among the groups gnomAD compares: Non-Finnish European, 0.00068%; no homozygotes.

Submissions (5):

CeGaT Center for Human Genetics Tuebingen
Classification: Pathogenic. Last evaluated: 2026-08-01. Review status: criteria provided, single submitter. Criteria: CeGaT Center For Human Genetics Tuebingen Variant Classification Criteria Version 2. Collection method: clinical testing. Allele origin: germline. Affected: yes. Observed: 1 variant allele.
Comment: NARS2: PVS1, PM2, PM3

GeneDx
Classification: Pathogenic. Last evaluated: 2025-06-17. Review status: criteria provided, single submitter. Criteria: GeneDx Variant Classification Process June 2021. Collection method: clinical testing. Allele origin: germline. Affected: yes.
Comment: Nonsense variant predicted to result in protein truncation or nonsense mediated decay in a gene for which loss of function is a known mechanism of disease; Not observed at significant frequency in large population cohorts (gnomAD); This variant is associated with the following publications: (PMID: 38310242, 37950505, 37746452, 40264468, XuB2024[Review], 35558980, 25807530)

Revvity Omics, Revvity
Classification: Pathogenic. Last evaluated: 2019-11-26. Review status: criteria provided, single submitter. Criteria: ACMG Guidelines, 2015. Collection method: clinical testing. Allele origin: germline.

SIB Swiss Institute of Bioinformatics
Classification: Likely pathogenic for Combined oxidative phosphorylation defect type 24. Last evaluated: 2019-08-28. Review status: criteria provided, single submitter. Criteria: ACMG Guidelines, 2015. Collection method: curation. Allele origin: unknown.
Comment: This variant is interpreted as a Likely pathogenic for Combined oxidative phosphorylation deficiency 24, autosomal recessive. The following ACMG Tag(s) were applied: PM2, PP1, PS3-Moderate, PVS1-Moderate.

OMIM
Classification: Pathogenic for COMBINED OXIDATIVE PHOSPHORYLATION DEFICIENCY 24. Last evaluated: 2019-05-28. Review status: no assertion criteria provided. Collection method: literature only. Allele origin: germline. Not counted in ClinVar's aggregate classification.

Literature cited by the submitters: PubMed 25807530 (cited by SIB Swiss Institute of Bioinformatics and OMIM).